The following is an entry in ClinVar:

NM_000051.4(ATM):c.7339T>G (p.Leu2447Val)

Genes: ATM (ATM serine/threonine kinase; plus strand), C11orf65 (chromosome 11 open reading frame 65; minus strand). Cytogenetic location: 11q22.3.
Variant type: single nucleotide variant.
Coding change: c.7339T>G on transcript NM_000051.4 (MANE Select); coding-DNA position 7339, T replaced by G.
Protein change: p.Leu2447Val; replaces leucine 2447 with valine.
Molecular consequence: missense variant. On other transcripts: intron variant (2).
Genome position (GRCh38, 1-based): chr11:108,330,245, T>G. VCF-style: chr11-108330245-T-G. GRCh37 (hg19) VCF-style: chr11-108200972-T-G.
Other names: c.7339T>G, p.Leu2447Val (NM_001351834.2); c.641-21174A>C (NM_001330368.2); c.*38+4975A>C (NM_001351110.2); short protein forms L2447V.
Identifiers: ClinVar variation 650231 (VCV000650231.14), dbSNP rs1591159997, ClinGen allele CA382559917.
Genomic context (GRCh38, chr11:108,330,245, plus strand): 5'-TGTGTTTTACCTTAATTATTCTATGCAAGATACACAGTAAAGGTTCAGCGAGAGCTGGAG[T>G]TGGATGAATTAGCCCTGCGTGCACTGAAAGAGGATCGTAAACGCTTCTTATGTAAAGCAG-3'
Protein context (NP_000042.3, residues 2437-2457): YTVKVQRELE[Leu2447Val]DELALRALKE

ClinVar aggregate classification (germline): Uncertain significance. Review status: criteria provided, multiple submitters, no conflicts (2 of 4 stars). 3 submissions from 3 submitters: Uncertain significance (3). Last evaluated 2026-01-21.

Conditions:
Hereditary cancer-predisposing syndrome. Also called: Tumor predisposition; Hereditary neoplastic syndrome; Neoplastic Syndromes, Hereditary; Hereditary Cancer Syndrome. Identifiers: Orphanet 140162, MedGen C0027672, MeSH D009386, MONDO:0015356.
Ataxia-telangiectasia syndrome (AT). Also called: Ataxia-telangiectasia, complementation group D; AT, COMPLEMENTATION GROUP C; ATAXIA-TELANGIECTASIA, COMPLEMENTATION GROUP A; ATAXIA-TELANGIECTASIA, FRESNO VARIANT; Ataxia-telangiectasia; LOUIS-BAR SYNDROME. Identifiers: Orphanet 100, MedGen C0004135, MONDO:0008840, OMIM 208900.

Submissions (3):

Labcorp Genetics (formerly Invitae), Labcorp
Classification: Uncertain significance for Ataxia-telangiectasia syndrome. Last evaluated: 2026-01-21. Review status: criteria provided, single submitter. Criteria: Invitae Variant Classification Sherloc (09022015). Collection method: clinical testing. Allele origin: germline.
Comment: This sequence change replaces leucine, which is neutral and non-polar, with valine, which is neutral and non-polar, at codon 2447 of the ATM protein (p.Leu2447Val). This variant is not present in population databases (gnomAD no frequency). This variant has not been reported in the literature in individuals affected with ATM-related conditions. ClinVar contains an entry for this variant (Variation ID: 650231). Invitae Evidence Modeling of protein sequence and biophysical properties (such as structural, functional, and spatial information, amino acid conservation, physicochemical variation, residue mobility, and thermodynamic stability) indicates that this missense variant is not expected to disrupt ATM protein function with a negative predictive value of 95%. In summary, the available evidence is currently insufficient to determine the role of this variant in disease. Therefore, it has been classified as a Variant of Uncertain Significance.

Ambry Genetics
Classification: Uncertain significance for Hereditary cancer-predisposing syndrome. Last evaluated: 2024-04-19. Review status: criteria provided, single submitter. Criteria: Ambry Variant Classification Scheme 2023. Collection method: clinical testing. Allele origin: germline.
Comment: The p.L2447V variant (also known as c.7339T>G), located in coding exon 49 of the ATM gene, results from a T to G substitution at nucleotide position 7339. The leucine at codon 2447 is replaced by valine, an amino acid with highly similar properties. This amino acid position is highly conserved in available vertebrate species. In addition, the in silico prediction for this alteration is inconclusive. Since supporting evidence is limited at this time, the clinical significance of this alteration remains unclear.

Athena Diagnostics
Classification: Uncertain significance. Last evaluated: 2021-04-16. Review status: criteria provided, single submitter. Criteria: Athena Diagnostics criteria. Collection method: clinical testing. Allele origin: unknown.